The following is an entry in ClinVar:

NM_001953.5(TYMP):c.296dup (p.Gln100fs)

Gene: TYMP (thymidine phosphorylase; minus strand). Cytogenetic location: 22q13.33.
Variant type: Duplication.
Coding change: c.296dup on transcript NM_001953.5 (MANE Select); coding-DNA position 296, one base duplicated (G; older notation c.296dupG).
Protein change: p.Gln100fs; shifts the reading frame from glutamine 100.
Molecular consequence: frameshift variant.
Genome position (GRCh38, 1-based): chr22:50,529,257, C duplicated on the plus strand (G on the coding strand, the reverse complement: TYMP is on the minus strand); the first of 3 consecutive C bases (chr22:50,529,257-50,529,259); duplicating any one gives the same sequence. VCF-style (leftmost placement, unchanged base first): chr22-50529256-T-TC. GRCh37 (hg19) VCF-style: chr22-50967685-T-TC.
Other names: c.296dup, p.Gln100fs (NM_001113755.3, NM_001113756.3, NM_001257988.1 and 1 more transcripts); short protein forms Q100fs.
Identifiers: ClinVar variation 5012237 (VCV005012237.1).
Genomic context (GRCh38, chr22:50,529,256, plus strand): 5'-CCCTGTGGAATGCTTGTCCACAAGCTGCTGGCGCCAGGCCTCTGGCCACTCCAGCTGCTG[T>TC]CCCGACTGAGCCAGGGCCTGGGTCAGCACCGAGGTCTCCTCCAGATCCATGCCCCGAAGT-3'

ClinVar aggregate classification (germline): Pathogenic (1 of 4 stars; one submission).

Conditions:
Mitochondrial DNA depletion syndrome 1. Also called: POLIP SYNDROME; POLYNEUROPATHY, OPHTHALMOPLEGIA, LEUKOENCEPHALOPATHY, AND INTESTINAL PSEUDOOBSTRUCTION; Mitochondrial Neurogastrointestinal Encephalopathy Disease; MITOCHONDRIAL NEUROGASTROINTESTINAL ENCEPHALOPATHY SYNDROME, TYMP-RELATED; MNGIE, TYMP-RELATED; Mitochondrial neurogastrointestinal encephalomyopathy syndrome. Identifiers: Orphanet 298, MedGen C4551995, MONDO:0011283, OMIM 603041.

Submission:

Myriad Genetics, Inc.
Classification: Pathogenic for Mitochondrial DNA depletion syndrome 1. Last evaluated: 2026-03-19. Review status: criteria provided, single submitter. Criteria: Myriad Autosomal Dominant, Autosomal Recessive and X-Linked Classification Criteria (2023). Collection method: clinical testing. Allele origin: unknown.
Comment: NM_001953.4(TYMP):c.296dupG(Q100Tfs*24) is expected to be pathogenic in the context of mitochondrial neurogastrointestinal encephalopathy disease. This variant is predicted to lead to an abnormal or absent protein product due to the creation of a premature termination codon in TYMP, a gene where loss-of-function variants are known to be pathogenic. Please note: this variant was assessed in the context of healthy population screening.